The following is an entry in ClinVar:

NM_000059.4(BRCA2):c.3773T>A (p.Ile1258Lys)

Gene: BRCA2 (BRCA2 DNA repair associated; plus strand). Cytogenetic location: 13q13.1.
Variant type: single nucleotide variant.
Coding change: c.3773T>A on transcript NM_000059.4 (MANE Select); coding-DNA position 3773, T replaced by A.
Protein change: p.Ile1258Lys; replaces isoleucine 1258 with lysine.
Molecular consequence: missense variant. On other transcripts: non-coding transcript variant (1), intron variant (2).
Genome position (GRCh38, 1-based): chr13:32,338,128, T>A. VCF-style: chr13-32338128-T-A. GRCh37 (hg19) VCF-style: chr13-32912265-T-A.
Other names: c.3773T>A, p.Ile1258Lys (NM_001406719.1, NM_001406720.1, NM_001432077.1); c.1909+4741T>A (NM_001406721.1); c.425-6430T>A (NM_001406722.1); short protein forms I1258K.
Identifiers: ClinVar variation 4856592 (VCV004856592.1).
Genomic context (GRCh38, chr13:32,338,128, plus strand): 5'-TGAAACTGTTTAGTGATATTGAGAATATTAGTGAGGAAACTTCTGCAGAGGTACATCCAA[T>A]AAGTTTATCTTCAAGTAAATGTCATGATTCTGTTGTTTCAATGTTTAAGATAGAAAATCA-3'
Protein context (NP_000050.3, residues 1248-1268): SEETSAEVHP[Ile1258Lys]SLSSSKCHDS

ClinVar aggregate classification (germline): Likely benign (1 of 4 stars; one submission).

Conditions:
Breast-ovarian cancer, familial, susceptibility to, 2 (BROVCA2). Also called: BRCA2 Hereditary Breast and Ovarian Cancer. Identifiers: Orphanet 145, MedGen C2675520, MONDO:0012933, OMIM 612555. Disease mechanism: loss of function.

Submission:

Cancer Bioinformatics and Tumour Evolution Laboratory, Monash University
Classification: Likely benign for Breast-ovarian cancer, familial, susceptibility to, 2. Last evaluated: 2026-05-01. Review status: criteria provided, single submitter. Criteria: ClinGen BRCA1 and BRCA2 Guidelines, 2024. Collection method: curation. Allele origin: germline. Inheritance: Autosomal dominant inheritance.
Comment: Missense variant outside of a functional domain with no splice impact. BRCA1 and BRCA2 VCEP guidelines recommend application of BP1_Strong (PMID: 39142283)